The following is an entry in ClinVar:

NC_000010.10:g.(14981869_14987103)_(14996432_?)dup

Gene: DCLRE1C (DNA cross-link repair 1C; minus strand). Cytogenetic location: 10p13.
Variant type: Duplication.
Identifiers: ClinVar variation 1677225 (VCV001677225.1).

ClinVar aggregate classification (germline): Likely benign (1 of 4 stars; one submission).

Submission:

Women's Health and Genetics/Laboratory Corporation of America, LabCorp
Classification: Likely benign. Last evaluated: 2022-03-31. Review status: criteria provided, single submitter. Criteria: LabCorp Variant Classification Summary - May 2015. Collection method: clinical testing. Allele origin: germline.
Comment: Variant summary: The variant identified by MLPA or other technology involves the duplication of exons 1-3 in the DCLRE1C gene. The exact breakpoint at the 5' end of this variant is unknown and therefore this duplication might extend upsream of the assayed region of the DCLRE1C gene. A presumed nomenclature of c.(?_-423)_(246+1_247-1)dup has been designated for the purposes of this classification. It has been assumed that this is a tandem duplication in direct orientation (Richardson_GIM_2018, Newman_AJHG_2015). Since the exact breakpoints of this duplication are not known, it is not possible to predict if it causes an in-frame or an out-of-frame product. A variant involving the duplication of exons 1-3 together with a large DNA segment (~ 77.3 kb; position 10:14984000-15061350) upstream of the gene was found at frequency of 0.0017 in 21694 control chromosomes in the gnomAD database (Structural Variants dataset), including 1 homozygote. The observed variant frequency is approximately 2.4 fold of the estimated maximal expected allele frequency for a pathogenic variant in DCLRE1C causing Severe Combined Immunodeficiency phenotype (0.00071), strongly suggesting that the variant is benign. To our knowledge, no occurrence of c.(?_-423)_(246+1_247-1)dup in individuals affected with Severe Combined Immunodeficiency and no experimental evidence demonstrating its impact on protein function have been reported. No clinical diagnostic laboratories have submitted clinical-significance assessments for this variant to ClinVar after 2014. Based on the evidence outlined above, this variant involving the duplication of exons 1-3 in the DCLRE1C gene, together with flanking DNA segment that include the essential regulatory region, is classified as likely benign.